The following is an entry in ClinVar:

ClinVar aggregate classification (germline): Uncertain significance (1 of 4 stars; one submission).

Allele frequency attached by ClinVar (database versions not stated): ExAC 0.00001; gnomAD exomes 0.00002; gnomAD 0.00003.
gnomAD v4.1: 34 of 1,608,134 alleles (0.0021%); highest among the groups gnomAD compares: East Asian, 0.011%; no homozygotes.

Submission:

Labcorp Genetics (formerly Invitae), Labcorp
Classification: Uncertain significance. Last evaluated: 2024-11-11. Review status: criteria provided, single submitter. Criteria: Invitae Variant Classification Sherloc (09022015). Collection method: clinical testing. Allele origin: germline.
Comment: This sequence change replaces threonine, which is neutral and polar, with methionine, which is neutral and non-polar, at codon 184 of the FBN3 protein (p.Thr184Met). This variant is present in population databases (rs769598971, gnomAD 0.01%). This variant has not been reported in the literature in individuals affected with FBN3-related conditions. ClinVar contains an entry for this variant (Variation ID: 1345945). An algorithm developed to predict the effect of missense changes on protein structure and function outputs the following: PolyPhen-2: "Benign". The methionine amino acid residue is found in multiple mammalian species, which suggests that this missense change does not adversely affect protein function. In summary, the available evidence is currently insufficient to determine the role of this variant in disease. Therefore, it has been classified as a Variant of Uncertain Significance.

NM_032447.5(FBN3):c.551C>T (p.Thr184Met)

Gene: FBN3 (fibrillin 3; minus strand). Cytogenetic location: 19p13.2.
Variant type: single nucleotide variant.
Coding change: c.551C>T on transcript NM_032447.5 (MANE Select); coding-DNA position 551, C replaced by T.
Protein change: p.Thr184Met; replaces threonine 184 with methionine.
Molecular consequence: missense variant.
Genome position (GRCh38, 1-based): chr19:8,142,128, G>A on the plus strand (C>T on the coding strand, the complement: FBN3 is on the minus strand). VCF-style: chr19-8142128-G-A. GRCh37 (hg19) VCF-style: chr19-8207012-G-A.
Other names: c.551C>T, p.Thr184Met (NM_001321431.2); short protein forms T184M.
Identifiers: ClinVar variation 1345945 (VCV001345945.6), dbSNP rs769598971, ClinGen allele CA9153670.